The following is an entry in ClinVar:

NM_004168.4(SDHA):c.1461C>T (p.Asn487=)

Gene: SDHA (succinate dehydrogenase complex flavoprotein subunit A; plus strand). Cytogenetic location: 5p15.33.
Variant type: single nucleotide variant.
Coding change: c.1461C>T on transcript NM_004168.4 (MANE Select); coding-DNA position 1461, C replaced by T.
Protein change: p.Asn487=; no amino-acid change (asparagine 487 retained).
Molecular consequence: synonymous variant.
Genome position (GRCh38, 1-based): chr5:240,386, C>T. VCF-style: chr5-240386-C-T. GRCh37 (hg19) VCF-style: chr5-240501-C-T.
Other names: c.1317C>T, p.Asn439= (NM_001294332.2); c.1461C>T, p.Asn487= (NM_001330758.2).
Identifiers: ClinVar variation 417241 (VCV000417241.44), dbSNP rs187540602, ClinGen allele CA3173258.

ClinVar aggregate classification (germline): Conflicting classifications of pathogenicity. Review status: criteria provided, conflicting classifications (1 of 4 stars). 8 submissions from 8 submitters: Uncertain significance (1); Benign (1); Likely benign (6). Last evaluated 2025-11-19.

Conditions:
Mitochondrial complex II deficiency, nuclear type 1. Also called: SUCCINATE CoQ REDUCTASE DEFICIENCY. Identifiers: Orphanet 3208, MedGen C5700310, MONDO:0100294, OMIM 252011.
Pheochromocytoma/paraganglioma syndrome 5. Also called: Paragangliomas 5; SDHA-Related Hereditary Paraganglioma-Pheochromocytoma Syndrome. Identifiers: Orphanet 29072, MedGen C3279992, MONDO:0013602, OMIM 614165.
Hereditary cancer-predisposing syndrome. Also called: Tumor predisposition; Hereditary neoplastic syndrome; Hereditary Cancer Syndrome; Neoplastic Syndromes, Hereditary. Identifiers: Orphanet 140162, MedGen C0027672, MeSH D009386, MONDO:0015356.

Allele frequency attached by ClinVar (database versions not stated): gnomAD exomes 0.00001 and 0.00002; ExAC 0.00002; TOPMed 0.00002; 1000 Genomes Project 30x 0.00016; 1000 Genomes Project 0.00020.
gnomAD v4.1: 28 of 1,608,336 alleles (0.0017%); highest among the groups gnomAD compares: East Asian, 0.0089%; no homozygotes.

Submissions (8):

Labcorp Genetics (formerly Invitae), Labcorp
Classification: Likely benign for Pheochromocytoma/paraganglioma syndrome 5; Mitochondrial complex II deficiency, nuclear type 1. Last evaluated: 2025-11-19. Review status: criteria provided, single submitter. Criteria: Invitae Variant Classification Sherloc (09022015). Collection method: clinical testing. Allele origin: germline.

Quest Diagnostics Nichols Institute San Juan Capistrano
Classification: Uncertain significance. Last evaluated: 2025-05-22. Review status: criteria provided, single submitter. Criteria: Quest Diagnostics criteria. Collection method: clinical testing. Allele origin: unknown.
Comment: The SDHA c.1461C>T (p.Asn487=) synonymous variant has not been reported in individuals with SDHA-related conditions in the published literature. The frequency of this variant in the general population (Genome Aggregation Database) is uninformative in the assessment of its pathogenicity. Analysis of this variant using software algorithms for the prediction of the effect of nucleotide changes on splicing yielded predictions that this variant does not affect SDHA mRNA splicing. Based on the available information, we are unable to determine the clinical significance of this variant.

Myriad Genetics, Inc.
Classification: Benign for Pheochromocytoma/paraganglioma syndrome 5. Last evaluated: 2025-03-10. Review status: criteria provided, single submitter. Criteria: Myriad Autosomal Dominant, Autosomal Recessive and X-Linked Classification Criteria (2023). Collection method: clinical testing. Allele origin: unknown.
Comment: This variant is considered benign. This variant is a silent/synonymous amino acid change and it is not expected to impact splicing.

Blueprint Genetics
Classification: Likely benign. Last evaluated: 2023-11-22. Review status: criteria provided, single submitter. Criteria: ACMG Guidelines, 2015. Collection method: clinical testing. Allele origin: germline.

CeGaT Center for Human Genetics Tuebingen
Classification: Likely benign. Last evaluated: 2023-08-01. Review status: criteria provided, single submitter. Criteria: CeGaT Center For Human Genetics Tuebingen Variant Classification Criteria Version 2. Collection method: clinical testing. Allele origin: germline. Affected: yes. Observed: 1 variant allele.
Comment: SDHA: BP4, BP7

Sema4
Classification: Likely benign for Hereditary cancer-predisposing syndrome. Last evaluated: 2021-12-18. Review status: criteria provided, single submitter. Criteria: Sema4 Curation Guidelines. Collection method: curation. Allele origin: germline.

Ambry Genetics
Classification: Likely benign for Hereditary cancer-predisposing syndrome. Last evaluated: 2016-03-23. Review status: criteria provided, single submitter. Criteria: Ambry Variant Classification Scheme 2023. Collection method: clinical testing. Allele origin: germline.

Breakthrough Genomics
Classification: Likely benign. Review status: criteria provided, single submitter. Criteria: ACMG Guidelines, 2015. Collection method: not provided. Allele origin: germline. Inheritance: Autosomal recessive inheritance. Affected: yes.